The following is an entry in ClinVar:

NM_000293.3(PHKB):c.743C>G (p.Ala248Gly)

Gene: PHKB (phosphorylase kinase regulatory subunit beta; plus strand). Cytogenetic location: 16q12.1.
Variant type: single nucleotide variant.
Coding change: c.743C>G on transcript NM_000293.3 (MANE Select); coding-DNA position 743, C replaced by G.
Protein change: p.Ala248Gly; replaces alanine 248 with glycine.
Molecular consequence: missense variant.
Genome position (GRCh38, 1-based): chr16:47,580,327, C>G. VCF-style: chr16-47580327-C-G. GRCh37 (hg19) VCF-style: chr16-47614238-C-G.
Other names: c.722C>G, p.Ala241Gly (NM_001031835.3); c.743C>G, p.Ala248Gly (NM_001363837.1); short protein forms A241G, A248G.
Identifiers: ClinVar variation 2148954 (VCV002148954.1), dbSNP rs1249060365, ClinGen allele CA395793456.
Genomic context (GRCh38, chr16:47,580,327, plus strand): 5'-TAATAAAGCATTTCCTTTTCTCTTTTAGCTCGGTTGGTTTAGCAAAAGCAGCTCTAGAAG[C>G]AATTAATGGATTCAACCTTTTTGGCAACCAGGTAAAAAATAAGACCCCCAGAATCTTTGA-3'
Protein context (NP_000284.1, residues 238-258): SVGLAKAALE[Ala248Gly]INGFNLFGNQ

ClinVar aggregate classification (germline): Uncertain significance (1 of 4 stars; one submission).

Conditions:
Glycogen storage disease IXb (GSD9B). Also called: GLYCOGENOSIS OF LIVER AND MUSCLE, AUTOSOMAL RECESSIVE; GSD IXb; PHOSPHORYLASE KINASE DEFICIENCY OF LIVER AND MUSCLE, AUTOSOMAL RECESSIVE. Identifiers: Orphanet 79240, MedGen C0543514, MONDO:0009868, OMIM 261750.

Allele frequency attached by ClinVar (database versions not stated): gnomAD 0.00001.
gnomAD v4.1: 4 of 1,612,614 alleles (0.00025%); highest among the groups gnomAD compares: South Asian, 0.0033%; no homozygotes.

Submission:

Labcorp Genetics (formerly Invitae), Labcorp
Classification: Uncertain significance for Glycogen storage disease IXb. Last evaluated: 2022-03-14. Review status: criteria provided, single submitter. Criteria: Invitae Variant Classification Sherloc (09022015). Collection method: clinical testing. Allele origin: germline.
Comment: This sequence change replaces alanine, which is neutral and non-polar, with glycine, which is neutral and non-polar, at codon 248 of the PHKB protein (p.Ala248Gly). This variant is present in population databases (no rsID available, gnomAD 0.01%). This variant has not been reported in the literature in individuals affected with PHKB-related conditions. Algorithms developed to predict the effect of missense changes on protein structure and function (SIFT, PolyPhen-2, Align-GVGD) all suggest that this variant is likely to be disruptive. In summary, the available evidence is currently insufficient to determine the role of this variant in disease. Therefore, it has been classified as a Variant of Uncertain Significance.